The following is an entry in ClinVar:

NM_018136.5(ASPM):c.688del (p.Glu230fs)

Gene: ASPM (assembly factor for spindle microtubules; minus strand). Cytogenetic location: 1q31.3.
Variant type: Deletion.
Coding change: c.688del on transcript NM_018136.5 (MANE Select); coding-DNA position 688, one base deleted (G; older notation c.688delG).
Protein change: p.Glu230fs; shifts the reading frame from glutamic acid 230.
Molecular consequence: frameshift variant.
Genome position (GRCh38, 1-based): chr1:197,143,564, C deleted on the plus strand (G on the coding strand, the reverse complement: ASPM is on the minus strand). VCF-style (leftmost placement, unchanged base first): chr1-197143563-TC-T. GRCh37 (hg19) VCF-style: chr1-197112693-TC-T.
Other names: NM_018136.5(ASPM):c.688del; p.Glu230fs; c.688del, p.Glu230fs (NM_001206846.2); short protein forms E230fs.
Identifiers: ClinVar variation 635050 (VCV000635050.3), dbSNP rs1557966012, ClinGen allele CA658795134.

ClinVar aggregate classification (germline): Pathogenic (1 of 4 stars; one submission).

Conditions:
Microcephaly 5, primary, autosomal recessive (MCPH5). Also called: ASPM Primary Microcephaly. Identifiers: Orphanet 2512, MedGen C1837501, MONDO:0012106, OMIM 608716.

Submission:

Broad Center for Mendelian Genomics, Broad Institute of MIT and Harvard
Classification: Pathogenic for Microcephaly 5, primary, autosomal recessive. Last evaluated: 2023-01-25. Review status: criteria provided, single submitter. Criteria: ACMG Guidelines, 2015. Collection method: curation. Allele origin: germline. Inheritance: Autosomal recessive inheritance.
Comment: The p.Glu230AsnfsTer30 variant in ASPM has been previously reported in three unrelated individuals with autosomal recessive primary microcephaly 5 (PMID: 27250695) and segregated with disease in 2 affected relatives from one family (PMID: 27250695). Of the four unrelated affected individuals reported (PMID: 32404165, PMID: 27250695), two were homozygotes (PMID: 27250695, PMID: 32404165) and two were compound heterozygotes who carried pathogenic or likely pathogenic variants in trans (PMID: 27250695, ClinVar Variation ID: 21621). This variant has also been reported in ClinVar (Variation ID: 635050) and has been interpreted as likely pathogenic by the Broad Rare Disease Group. This variant was absent from large population studies. This variant is predicted to cause a frameshift, which alters the protein‚Äôs amino acid sequence beginning at position 230 and leads to a premature termination codon 30 amino acids downstream. This alteration is then predicted to lead to a truncated or absent protein. Loss of function of the ASPM gene is an established disease mechanism in autosomal recessive primary microcephaly 5. In summary, this variant meets criteria to be classified as pathogenic for autosomal recessive primary microcephaly 5. ACMG/AMP Criteria applied: PVS1, PM2_Supporting, PM3_Strong (Richards 2015).